The following is an entry in ClinVar:

ClinVar aggregate classification (germline): Uncertain significance (1 of 4 stars; one submission).

Conditions:
Anophthalmia-microphthalmia syndrome. Also called: Anophthalmia/Microphthalmia; Anophthalmia - microphthalmia. Identifiers: Orphanet 98555, MedGen C5680330, MONDO:0020147.

Submission:

Labcorp Genetics (formerly Invitae), Labcorp
Classification: Uncertain significance for Anophthalmia-microphthalmia syndrome. Last evaluated: 2021-11-17. Review status: criteria provided, single submitter. Criteria: Invitae Variant Classification Sherloc (09022015). Collection method: clinical testing. Allele origin: germline.
Comment: In summary, the available evidence is currently insufficient to determine the role of this variant in disease. Therefore, it has been classified as a Variant of Uncertain Significance. This sequence change creates a premature translational stop signal (p.Asn251*) in the OTX2 gene. While this is not anticipated to result in nonsense mediated decay, it is expected to disrupt the last 39 amino acid(s) of the OTX2 protein. This variant is not present in population databases (gnomAD no frequency). This variant has not been reported in the literature in individuals affected with OTX2-related conditions. ClinVar contains an entry for this variant (Variation ID: 1003380).

NM_021728.4(OTX2):c.774dup (p.Asn259Ter)

Gene: OTX2 (orthodenticle homeobox 2; minus strand). Cytogenetic location: 14q22.3.
Variant type: Duplication.
Coding change: c.774dup on transcript NM_021728.4 (MANE Select); coding-DNA position 774, one base duplicated (T; older notation c.774dupT).
Protein change: p.Asn259Ter; replaces asparagine 259 with a stop codon.
Molecular consequence: nonsense. On other transcripts: non-coding transcript variant (2).
Genome position (GRCh38, 1-based): chr14:56,801,855, A duplicated on the plus strand (T on the coding strand, the reverse complement: OTX2 is on the minus strand); the first of 4 consecutive A bases (chr14:56,801,855-56,801,858); duplicating any one gives the same sequence. VCF-style (leftmost placement, unchanged base first): chr14-56801854-T-TA. GRCh37 (hg19) VCF-style: chr14-57268572-T-TA.
Other names: c.750dup, p.Asn251Ter (NM_001270523.2, NM_001270524.2, NM_172337.3); c.774dup, p.Asn259Ter (NM_001270525.2); short protein forms N251*, N259*.
Identifiers: ClinVar variation 1003380 (VCV001003380.7), dbSNP rs1891889944, ClinGen allele CA2139133823.